The following is an entry in ClinVar:

ClinVar aggregate classification (germline): Conflicting classifications of pathogenicity. Review status: criteria provided, conflicting classifications (1 of 4 stars). 3 submissions from 3 submitters: Uncertain significance (2); Likely benign (1). Last evaluated 2025-05-05.

Conditions:
Hereditary breast ovarian cancer syndrome. Also called: Hereditary breast and/or ovarian cancer syndrome; Hereditary breast and ovarian cancer syndrome (HBOC); Breast and ovarian cancer; Hereditary breast and ovarian cancer; BRCA1- and BRCA2-Associated Hereditary Breast and Ovarian Cancer; Hereditary breast and ovarian cancer syndrome. Identifiers: Orphanet 145, MedGen C0677776, MeSH D061325, MONDO:0003582. Disease mechanism: loss of function.

Allele frequency attached by ClinVar (database versions not stated): TOPMed below 0.00001; gnomAD 0.00001; gnomAD exomes 0.00001.
gnomAD v4.1: 17 of 1,614,082 alleles (0.0011%); highest among the groups gnomAD compares: East Asian, 0.036%; no homozygotes.

Submissions (3):

Labcorp Genetics (formerly Invitae), Labcorp
Classification: Uncertain significance. Last evaluated: 2025-05-05. Review status: criteria provided, single submitter. Criteria: Invitae Variant Classification Sherloc (09022015). Collection method: clinical testing. Allele origin: germline.
Comment: This sequence change replaces valine, which is neutral and non-polar, with alanine, which is neutral and non-polar, at codon 679 of the RINT1 protein (p.Val679Ala). This variant is not present in population databases (gnomAD no frequency). This missense change has been observed in individual(s) with breast cancer (PMID: 25050558). ClinVar contains an entry for this variant (Variation ID: 830292). An algorithm developed to predict the effect of missense changes on protein structure and function outputs the following: PolyPhen-2: "Benign". The alanine amino acid residue is found in multiple mammalian species, which suggests that this missense change does not adversely affect protein function. In summary, the available evidence is currently insufficient to determine the role of this variant in disease. Therefore, it has been classified as a Variant of Uncertain Significance.

Ambry Genetics
Classification: Likely benign. Last evaluated: 2024-03-29. Review status: criteria provided, single submitter. Criteria: Ambry Variant Classification Scheme 2023. Collection method: clinical testing. Allele origin: germline.

Cancer Genomics Group, Japanese Foundation For Cancer Research
Classification: Uncertain significance for Hereditary breast and ovarian cancer syndrome. Last evaluated: 2019-05-01. Review status: criteria provided, single submitter. Criteria: ACMG Guidelines, 2015. Collection method: research. Allele origin: germline. Affected: yes.

Literature cited by the submitters: PubMed 25050558 (cited by Labcorp Genetics (formerly Invitae), Labcorp and Ambry Genetics).

NM_021930.6(RINT1):c.2036T>C (p.Val679Ala)

Genes: RINT1 (RAD50 interactor 1; plus strand), EFCAB10 (EF-hand calcium binding domain 10; minus strand). Cytogenetic location: 7q22.3.
Variant type: single nucleotide variant.
Coding change: c.2036T>C on transcript NM_021930.6 (MANE Select); coding-DNA position 2036, T replaced by C.
Protein change: p.Val679Ala; replaces valine 679 with alanine.
Molecular consequence: missense variant. On other transcripts: 3 prime UTR variant (2), synonymous variant (1), non-coding transcript variant (1).
Genome position (GRCh38, 1-based): chr7:105,565,426, T>C. VCF-style: chr7-105565426-T-C. GRCh37 (hg19) VCF-style: chr7-105205873-T-C.
Other names: c.*21A>G (NM_001355526.2); c.*123A>G (NM_001355530.2); c.381A>G, p.Leu127= (NM_001355531.2); c.1802T>C, p.Val601Ala (NM_001346599.2); c.1013T>C, p.Val338Ala (NM_001346600.2, NM_001346603.2); c.1112T>C, p.Val371Ala (NM_001346601.2); short protein forms V338A, V371A, V601A, V679A.
Identifiers: ClinVar variation 830292 (VCV000830292.14), dbSNP rs1791671293, ClinGen allele CA368814952.